The following is an entry in ClinVar:

ClinVar aggregate classification (germline): Uncertain significance (1 of 4 stars; one submission).

Allele frequency attached by ClinVar (database versions not stated): TOPMed 0.00001; gnomAD exomes 0.00002; ExAC 0.00004.
gnomAD v4.1: 32 of 1,614,236 alleles (0.002%); highest among the groups gnomAD compares: South Asian, 0.021%; no homozygotes.

Submission:

Labcorp Genetics (formerly Invitae), Labcorp
Classification: Uncertain significance. Last evaluated: 2023-10-12. Review status: criteria provided, single submitter. Criteria: Invitae Variant Classification Sherloc (09022015). Collection method: clinical testing. Allele origin: germline.
Comment: This sequence change replaces arginine, which is basic and polar, with glutamine, which is neutral and polar, at codon 328 of the PRPF4 protein (p.Arg328Gln). This variant is present in population databases (rs750966121, gnomAD 0.04%), and has an allele count higher than expected for a pathogenic variant. This variant has not been reported in the literature in individuals affected with PRPF4-related conditions. An algorithm developed to predict the effect of missense changes on protein structure and function (PolyPhen-2) suggests that this variant is likely to be tolerated. Algorithms developed to predict the effect of sequence changes on RNA splicing suggest that this variant may create or strengthen a splice site. In summary, the available evidence is currently insufficient to determine the role of this variant in disease. Therefore, it has been classified as a Variant of Uncertain Significance.

NM_001244926.2(PRPF4):c.980G>A (p.Arg327Gln)

Gene: PRPF4 (pre-mRNA splicing tri-snRNP complex factor PRPF4; plus strand). Cytogenetic location: 9q32.
Variant type: single nucleotide variant.
Coding change: c.980G>A on transcript NM_001244926.2 (MANE Select); coding-DNA position 980, G replaced by A.
Protein change: p.Arg327Gln; replaces arginine 327 with glutamine.
Molecular consequence: missense variant. On other transcripts: non-coding transcript variant (2).
Genome position (GRCh38, 1-based): chr9:113,288,222, G>A. VCF-style: chr9-113288222-G-A. GRCh37 (hg19) VCF-style: chr9-116050502-G-A.
Other names: c.254G>A, p.Arg85Gln (NM_001322266.2, NM_001322267.2); c.983G>A, p.Arg328Gln (NM_004697.5); short protein forms R327Q, R85Q, R328Q.
Identifiers: ClinVar variation 2896358 (VCV002896358.3), dbSNP rs750966121, ClinGen allele CA5195061.